The following is an entry in ClinVar:

ClinVar aggregate classification (germline): Pathogenic (1 of 4 stars; one submission).

Conditions:
Hereditary breast ovarian cancer syndrome. Also called: Hereditary breast and/or ovarian cancer syndrome; Hereditary breast and ovarian cancer syndrome; BRCA1- and BRCA2-Associated Hereditary Breast and Ovarian Cancer; Breast and ovarian cancer; Hereditary breast and ovarian cancer; Hereditary breast and ovarian cancer syndrome (HBOC). Identifiers: Orphanet 145, MedGen C0677776, MeSH D061325, MONDO:0003582. Disease mechanism: loss of function.

Submission:

Labcorp Genetics (formerly Invitae), Labcorp
Classification: Pathogenic for Hereditary breast ovarian cancer syndrome. Last evaluated: 2022-07-21. Review status: criteria provided, single submitter. Criteria: Invitae Variant Classification Sherloc (09022015). Collection method: clinical testing. Allele origin: germline.
Comment: For these reasons, this variant has been classified as Pathogenic. This variant has not been reported in the literature in individuals affected with BRCA2-related conditions. This variant is not present in population databases (gnomAD no frequency). This sequence change creates a premature translational stop signal (p.Ser2378Glnfs*16) in the BRCA2 gene. It is expected to result in an absent or disrupted protein product. Loss-of-function variants in BRCA2 are known to be pathogenic (PMID: 20104584).

Literature cited by the submitters: PubMed 20104584.

NM_000059.4(BRCA2):c.7132del (p.Ser2378fs)

Gene: BRCA2 (BRCA2 DNA repair associated; plus strand). Cytogenetic location: 13q13.1.
Variant type: Deletion.
Coding change: c.7132del on transcript NM_000059.4 (MANE Select); coding-DNA position 7132, one base deleted (T; older notation c.7132delT).
Protein change: p.Ser2378fs; shifts the reading frame from serine 2378.
Molecular consequence: frameshift variant.
Genome position (GRCh38, 1-based): chr13:32,354,985, T deleted; the last of 3 consecutive T bases (chr13:32,354,983-32,354,985); deleting any one gives the same sequence. VCF-style (leftmost placement, unchanged base first): chr13-32354982-GT-G. GRCh37 (hg19) VCF-style: chr13-32929119-GT-G.
Other names: c.7036delT, p.Ser2346Glnfs (NM_001406719.1); c.7132delT, p.Ser2378Glnfs (NM_001406720.1); c.2200delT, p.Ser734Glnfs (NM_001406721.1); c.715delT, p.Ser239Glnfs (NM_001406722.1); short protein forms S2378fs.
Identifiers: ClinVar variation 2018555 (VCV002018555.4), dbSNP rs2548540141, ClinGen allele CA2580087397.
Genomic context (GRCh38, chr13:32,354,982, plus strand): 5'-CTGTCTAAATCTCATTTGTATGAACATCTGACTTTGGAAAAATCTTCAAGCAATTTAGCA[GT>G]TTCAGGACATCCATTTTATCAAGTTTCTGCTACAAGAAATGAAAAAATGAGACACTTGAT-3'